The following is an entry in ClinVar:

ClinVar aggregate classification (germline): Uncertain significance (1 of 4 stars; one submission).

Conditions:
Autosomal recessive limb-girdle muscular dystrophy type 2E (LGMDR4). Also called: MUSCULAR DYSTROPHY, LIMB-GIRDLE, AUTOSOMAL RECESSIVE 4. Identifiers: Orphanet 119, MedGen C1858593, MONDO:0011423, OMIM 604286. Disease mechanism: Affects gamma-sarcoglycan and also disrupts the integrity of the entire sarcoglycan complex..

Allele frequency attached by ClinVar (database versions not stated): ExAC 0.00001; gnomAD 0.00001; gnomAD exomes 0.00001.
gnomAD v4.1: 6 of 1,612,370 alleles (0.00037%); highest among the groups gnomAD compares: East Asian, 0.0045%; no homozygotes.

Submission:

Labcorp Genetics (formerly Invitae), Labcorp
Classification: Uncertain significance for Autosomal recessive limb-girdle muscular dystrophy type 2E. Last evaluated: 2021-08-27. Review status: criteria provided, single submitter. Criteria: Invitae Variant Classification Sherloc (09022015). Collection method: clinical testing. Allele origin: germline.
Comment: This sequence change replaces asparagine with serine at codon 211 of the SGCB protein (p.Asn211Ser). The asparagine residue is highly conserved and there is a small physicochemical difference between asparagine and serine. This variant is present in population databases (rs770552656, ExAC 0.002%). This variant has not been reported in the literature in individuals affected with SGCB-related conditions. Algorithms developed to predict the effect of missense changes on protein structure and function (SIFT, PolyPhen-2, Align-GVGD) all suggest that this variant is likely to be tolerated. In summary, the available evidence is currently insufficient to determine the role of this variant in disease. Therefore, it has been classified as a Variant of Uncertain Significance.

NM_000232.5(SGCB):c.632A>G (p.Asn211Ser)

Gene: SGCB (sarcoglycan beta; minus strand). Cytogenetic location: 4q12.
Variant type: single nucleotide variant.
Coding change: c.632A>G on transcript NM_000232.5 (MANE Select); coding-DNA position 632, A replaced by G.
Protein change: p.Asn211Ser; replaces asparagine 211 with serine.
Molecular consequence: missense variant.
Genome position (GRCh38, 1-based): chr4:52,028,089, T>C on the plus strand (A>G on the coding strand, the complement: SGCB is on the minus strand). VCF-style: chr4-52028089-T-C. GRCh37 (hg19) VCF-style: chr4-52894255-T-C.
Other names: short protein forms N211S.
Identifiers: ClinVar variation 2058639 (VCV002058639.1), dbSNP rs770552656, ClinGen allele CA2918332.